The following is an entry in ClinVar:

ClinVar aggregate classification (germline): Uncertain significance (1 of 4 stars; one submission).

Conditions:
TP63-Related Spectrum Disorders.

Allele frequency attached by ClinVar (database versions not stated): ExAC 0.00001; gnomAD 0.00001; gnomAD exomes 0.00001; TOPMed 0.00001.
gnomAD v4.1: 13 of 1,613,876 alleles (0.00081%); highest among the groups gnomAD compares: South Asian, 0.0044%; no homozygotes.

Submission:

Labcorp Genetics (formerly Invitae), Labcorp
Classification: Uncertain significance. Last evaluated: 2022-11-23. Review status: criteria provided, single submitter. Criteria: Invitae Variant Classification Sherloc (09022015). Collection method: clinical testing. Allele origin: germline.
Comment: In summary, the available evidence is currently insufficient to determine the role of this variant in disease. Therefore, it has been classified as a Variant of Uncertain Significance. Advanced modeling of protein sequence and biophysical properties (such as structural, functional, and spatial information, amino acid conservation, physicochemical variation, residue mobility, and thermodynamic stability) performed at Invitae indicates that this missense variant is not expected to disrupt TP63 protein function. This variant has not been reported in the literature in individuals affected with TP63-related conditions. This variant is present in population databases (rs770997588, gnomAD 0.003%). This sequence change replaces arginine, which is basic and polar, with histidine, which is basic and polar, at codon 637 of the TP63 protein (p.Arg637His).

NM_003722.5(TP63):c.1910G>A (p.Arg637His)

Gene: TP63 (tumor protein p63; plus strand). Cytogenetic location: 3q28.
Variant type: single nucleotide variant.
Coding change: c.1910G>A on transcript NM_003722.5 (MANE Select); coding-DNA position 1910, G replaced by A.
Protein change: p.Arg637His; replaces arginine 637 with histidine.
Molecular consequence: missense variant. On other transcripts: 3 prime UTR variant (6).
Genome position (GRCh38, 1-based): chr3:189,894,369, G>A. VCF-style: chr3-189894369-G-A. GRCh37 (hg19) VCF-style: chr3-189612158-G-A.
Other names: c.*148G>A (NM_001114978.2, NM_001114981.2); c.1628G>A, p.Arg543His (NM_001114980.2); c.*138G>A (NM_001329144.2, NM_001329145.2, NM_001329149.2 and 1 more transcripts); c.1373G>A, p.Arg458His (NM_001329146.2); c.1898G>A, p.Arg633His (NM_001329148.2); c.1904G>A, p.Arg635His (NM_001329964.2); short protein forms R458H, R543H, R637H, R633H, R635H.
Identifiers: ClinVar variation 2804317 (VCV002804317.2), dbSNP rs770997588, ClinGen allele CA2752596.